The following is an entry in ClinVar:

NM_198586.3(NHLRC1):c.226del (p.Arg76fs)

Gene: NHLRC1 (NHL repeat containing E3 ubiquitin protein ligase 1; minus strand). Cytogenetic location: 6p22.3.
Variant type: Deletion.
Coding change: c.226del on transcript NM_198586.3 (MANE Select); coding-DNA position 226, one base deleted (C; older notation c.226delC).
Protein change: p.Arg76fs; shifts the reading frame from arginine 76.
Molecular consequence: frameshift variant.
Genome position (GRCh38, 1-based): chr6:18,122,381, G deleted on the plus strand (C on the coding strand, the reverse complement: NHLRC1 is on the minus strand); the first of 2 consecutive G bases (chr6:18,122,381-18,122,382); deleting either gives the same sequence. VCF-style (leftmost placement, unchanged base first): chr6-18122380-CG-C. GRCh37 (hg19) VCF-style: chr6-18122611-CG-C.
Other names: short protein forms R76fs.
Identifiers: ClinVar variation 206194 (VCV000206194.1), dbSNP rs796052758, ClinGen allele CA316044.
Genomic context (GRCh38, chr6:18,122,380, plus strand): 5'-GCTGAGCCCAGGAGCTCTATGAGGTGCAGCACCGGCAGGCAGTCGCTGGTGTCGCAGCCC[CG>C]GCAAGCTCGCCTGCAGAATGGGCACTCGAGGGCCAGAGTGCGCGGGTGCGCCAGGGCGGC-3'

ClinVar aggregate classification (germline): Pathogenic (1 of 4 stars; one submission).

Submission:

GeneDx
Classification: Pathogenic. Last evaluated: 2013-10-31. Review status: criteria provided, single submitter. Criteria: GeneDx Variant Classification (06012015). Collection method: clinical testing. Allele origin: germline. Affected: yes.
Comment: c.226delC: p.Arg76GlyfsX15 (R76Gfsx15) in exon 1 of the NHLRC1 gene (NM_198586.2). The normal sequence with the deleted base in brackets is TTGC[C]GGGGC. The c.226delC mutation causes a frameshift starting with codon Arginine 76, changes this amino acid to a Glycine residue, and creates a premature Stop codon at position 15 of the new reading frame, denoted p.Arg76GlyfsX15. This deletion results in the replacement of the last 120 amino acids of the protein with 14 aberrant amino acids and is predicted to cause loss of normal protein function through protein truncation. Although this mutation has not been reported previously to our knowledge, its presence is consistent with Lafora diseae. The variant is found in PME-EPI panel(s).